The following is an entry in ClinVar:

ClinVar aggregate classification (germline): Pathogenic (1 of 4 stars; one submission).

Submission:

Labcorp Genetics (formerly Invitae), Labcorp
Classification: Pathogenic. Last evaluated: 2022-07-05. Review status: criteria provided, single submitter. Criteria: Invitae Variant Classification Sherloc (09022015). Collection method: clinical testing. Allele origin: germline.
Comment: This sequence change creates a premature translational stop signal (p.Gln288*) in the WEE2 gene. It is expected to result in an absent or disrupted protein product. Loss-of-function variants in WEE2 are known to be pathogenic (PMID: 29606300, 30827524). This variant is not present in population databases (gnomAD no frequency). This variant has not been reported in the literature in individuals affected with WEE2-related conditions. For these reasons, this variant has been classified as Pathogenic.

Literature cited by the submitters: PubMed 29606300; PubMed 30827524.

NM_001105558.1(WEE2):c.862C>T (p.Gln288Ter)

Genes: WEE2 (WEE2 oocyte meiosis inhibiting kinase; plus strand), WEE2-AS1 (WEE2 antisense RNA 1; minus strand). Cytogenetic location: 7q34.
Variant type: single nucleotide variant.
Coding change: c.862C>T on transcript NM_001105558.1 (MANE Select); coding-DNA position 862, C replaced by T.
Protein change: p.Gln288Ter; replaces glutamine 288 with a stop codon.
Molecular consequence: nonsense.
Genome position (GRCh38, 1-based): chr7:141,721,038, C>T. VCF-style: chr7-141721038-C-T. GRCh37 (hg19) VCF-style: chr7-141420838-C-T.
Other names: short protein forms Q288*.
Identifiers: ClinVar variation 2163249 (VCV002163249.1), dbSNP rs2485617639, ClinGen allele CA369551030.